The following is an entry in ClinVar:

NM_177438.3(DICER1):c.2336C>T (p.Thr779Ile)

Gene: DICER1 (dicer 1, ribonuclease III; minus strand). Cytogenetic location: 14q32.13.
Variant type: single nucleotide variant.
Coding change: c.2336C>T on transcript NM_177438.3 (MANE Select); coding-DNA position 2336, C replaced by T.
Protein change: p.Thr779Ile; replaces threonine 779 with isoleucine.
Molecular consequence: missense variant.
Genome position (GRCh38, 1-based): chr14:95,108,424, G>A on the plus strand (C>T on the coding strand, the complement: DICER1 is on the minus strand). VCF-style: chr14-95108424-G-A. GRCh37 (hg19) VCF-style: chr14-95574761-G-A.
Other names: c.2336C>T, p.Thr779Ile (NM_001195573.1, NM_001271282.3, NM_001291628.2 and 1 more transcripts); short protein forms T779I.
Identifiers: ClinVar variation 963644 (VCV000963644.12), dbSNP rs1891655325, ClinGen allele CA390882264.

ClinVar aggregate classification (germline): Uncertain significance. Review status: criteria provided, multiple submitters, no conflicts (2 of 4 stars). 2 submissions from 2 submitters: Uncertain significance (2). Last evaluated 2025-01-30.

Conditions:
DICER1-related tumor predisposition. Also called: DICER1 syndrome; DICER1-related pleuropulmonary blastoma cancer predisposition syndrome. Identifiers: Orphanet 284343, MedGen C3839822, MONDO:0100216.
Hereditary cancer-predisposing syndrome. Also called: Hereditary neoplastic syndrome; Tumor predisposition; Neoplastic Syndromes, Hereditary; Hereditary Cancer Syndrome. Identifiers: Orphanet 140162, MedGen C0027672, MeSH D009386, MONDO:0015356.

Allele frequency attached by ClinVar (database versions not stated): gnomAD exomes below 0.00001.
gnomAD v4.1: 1 of 1,614,020 alleles (0.000062%); highest among the groups gnomAD compares: Non-Finnish European, 0.000085%; no homozygotes.

Submissions (2):

Labcorp Genetics (formerly Invitae), Labcorp
Classification: Uncertain significance for DICER1-related tumor predisposition. Last evaluated: 2025-01-30. Review status: criteria provided, single submitter. Criteria: Invitae Variant Classification Sherloc (09022015). Collection method: clinical testing. Allele origin: germline.
Comment: This sequence change replaces threonine, which is neutral and polar, with isoleucine, which is neutral and non-polar, at codon 779 of the DICER1 protein (p.Thr779Ile). This variant is not present in population databases (gnomAD no frequency). This variant has not been reported in the literature in individuals affected with DICER1-related conditions. ClinVar contains an entry for this variant (Variation ID: 963644). Invitae Evidence Modeling of protein sequence and biophysical properties (such as structural, functional, and spatial information, amino acid conservation, physicochemical variation, residue mobility, and thermodynamic stability) indicates that this missense variant is not expected to disrupt DICER1 protein function with a negative predictive value of 95%. In summary, the available evidence is currently insufficient to determine the role of this variant in disease. Therefore, it has been classified as a Variant of Uncertain Significance.

Ambry Genetics
Classification: Uncertain significance for Hereditary cancer-predisposing syndrome. Last evaluated: 2024-05-10. Review status: criteria provided, single submitter. Criteria: Ambry Variant Classification Scheme 2023. Collection method: clinical testing. Allele origin: germline.
Comment: The p.T779I variant (also known as c.2336C>T), located in coding exon 14 of the DICER1 gene, results from a C to T substitution at nucleotide position 2336. The threonine at codon 779 is replaced by isoleucine, an amino acid with similar properties. This amino acid position is highly conserved in available vertebrate species. In addition, the in silico prediction for this alteration is inconclusive. Based on the available evidence, the clinical significance of this variant remains unclear.